The following is an entry in ClinVar:

NM_001267550.2(TTN):c.103942T>C (p.Tyr34648His)

Genes: TTN-AS1 (TTN antisense RNA 1; plus strand), TTN (titin; minus strand). Cytogenetic location: 2q31.2.
Variant type: single nucleotide variant.
Coding change: c.103942T>C on transcript NM_001267550.2 (MANE Select); coding-DNA position 103942, T replaced by C.
Protein change: p.Tyr34648His; replaces tyrosine 34648 with histidine.
Molecular consequence: missense variant.
Genome position (GRCh38, 1-based): chr2:178,532,673, A>G on the plus strand (T>C on the coding strand, the complement: TTN is on the minus strand). VCF-style: chr2-178532673-A-G. GRCh37 (hg19) VCF-style: chr2-179397400-A-G.
Other names: c.96238T>C, p.Tyr32080His (NM_133378.4); c.77122T>C, p.Tyr25708His (NM_133432.3); c.77323T>C, p.Tyr25775His (NM_133437.4); c.99019T>C, p.Tyr33007His (NM_001256850.1); c.76747T>C, p.Tyr25583His (NM_003319.4); short protein forms Y25583H, Y32080H, Y25708H, Y25775H, Y33007H, Y34648H.
Identifiers: ClinVar variation 4787035 (VCV004787035.1).

ClinVar aggregate classification (germline): Uncertain significance (1 of 4 stars; one submission).

Conditions:
Autosomal recessive limb-girdle muscular dystrophy type 2J (LGMDR10). Also called: Limb-girdle muscular dystrophy, type 2J; MUSCULAR DYSTROPHY, LIMB-GIRDLE, AUTOSOMAL RECESSIVE 10. Identifiers: Orphanet 140922, MedGen C1837342, MONDO:0012127, OMIM 608807.
Dilated cardiomyopathy 1G (CMD1G). Identifiers: Orphanet 154, MedGen C1858763, MONDO:0011400, OMIM 604145.

gnomAD v4.1: 1 of 1,613,970 alleles (0.000062%); highest among the groups gnomAD compares: Non-Finnish European, 0.000085%; no homozygotes.

Submission:

Labcorp Genetics (formerly Invitae), Labcorp
Classification: Uncertain significance for Dilated cardiomyopathy 1G; Autosomal recessive limb-girdle muscular dystrophy type 2J. Last evaluated: 2025-12-15. Review status: criteria provided, single submitter. Criteria: Invitae Variant Classification Sherloc (09022015). Collection method: clinical testing. Allele origin: germline.
Comment: This sequence change replaces tyrosine, which is neutral and polar, with histidine, which is basic and polar, at codon 34648 of the TTN protein (p.Tyr34648His). This variant is not present in population databases (gnomAD no frequency). This variant has not been reported in the literature in individuals affected with TTN-related conditions. Experimental studies and prediction algorithms are not available or were not evaluated, and the functional significance of this variant is currently unknown. This variant is located in the M band of TTN (PMID: 25589632). Non-truncating variants in this region may be relevant for neuromuscular disorders, but have not been definitively shown to cause cardiomyopathy (PMID: 23975875). In summary, the available evidence is currently insufficient to determine the role of this variant in disease. Therefore, it has been classified as a Variant of Uncertain Significance.

Literature cited by the submitters: PubMed 25589632; PubMed 23975875.